The following is an entry in ClinVar:

NM_014915.3(ANKRD26):c.3287G>C (p.Arg1096Pro)

Gene: ANKRD26 (ankyrin repeat domain 26; minus strand). Cytogenetic location: 10p12.1.
Variant type: single nucleotide variant.
Coding change: c.3287G>C on transcript NM_014915.3 (MANE Select); coding-DNA position 3287, G replaced by C.
Protein change: p.Arg1096Pro; replaces arginine 1096 with proline.
Molecular consequence: missense variant.
Genome position (GRCh38, 1-based): chr10:27,035,163, C>G on the plus strand (G>C on the coding strand, the complement: ANKRD26 is on the minus strand). VCF-style: chr10-27035163-C-G. GRCh37 (hg19) VCF-style: chr10-27324092-C-G.
Other names: c.3284G>C, p.Arg1095Pro (NM_001256053.2); short protein forms R1096P, R1095P.
Identifiers: ClinVar variation 4578870 (VCV004578870.1).

ClinVar aggregate classification (germline): Uncertain significance (1 of 4 stars; one submission).

Conditions:
Inborn genetic diseases. Identifiers: MedGen C0950123, MeSH D030342.

Submission:

Ambry Genetics
Classification: Uncertain significance for Inborn genetic diseases. Last evaluated: 2025-09-21. Review status: criteria provided, single submitter. Criteria: Ambry Variant Classification Scheme 2023. Collection method: clinical testing. Allele origin: germline.
Comment: The p.R1096P variant (also known as c.3287G>C), located in coding exon 24 of the ANKRD26 gene, results from a G to C substitution at nucleotide position 3287. The arginine at codon 1096 is replaced by proline, an amino acid with dissimilar properties. This amino acid position is conserved. In addition, this alteration is predicted to be tolerated by in silico analysis. Based on the available evidence, the clinical significance of this variant remains unclear.